The following is an entry in ClinVar:

ClinVar aggregate classification (germline): Uncertain significance (1 of 4 stars; one submission).

gnomAD v4.1: 1 of 1,613,926 alleles (0.000062%); highest among the groups gnomAD compares: Non-Finnish European, 0.000085%; no homozygotes.

Submission:

GeneDx
Classification: Uncertain significance. Last evaluated: 2025-08-18. Review status: criteria provided, single submitter. Criteria: GeneDx Variant Classification Process June 2021. Collection method: clinical testing. Allele origin: germline. Affected: yes.
Comment: Canonical splice site variant in a gene for which loss-of-function is not an established mechanism of disease; Not observed at significant frequency in large population cohorts (gnomAD); Has not been previously published as pathogenic or benign to our knowledge

NM_002249.6(KCNN3):c.933+1G>A

Gene: KCNN3 (potassium calcium-activated channel subfamily N member 3; minus strand). Cytogenetic location: 1q21.3.
Variant type: single nucleotide variant.
Coding change: c.933+1G>A on transcript NM_002249.6 (MANE Select); the canonical splice donor site of the intron after coding-DNA position 933, G replaced by A.
Molecular consequence: splice donor variant.
Genome position (GRCh38, 1-based): chr1:154,869,031, C>T on the plus strand (G>A on the coding strand, the complement: KCNN3 is on the minus strand). VCF-style: chr1-154869031-C-T. GRCh37 (hg19) VCF-style: chr1-154841507-C-T.
Other names: c.933+1G>A (NM_001204087.2).
Identifiers: ClinVar variation 4796637 (VCV004796637.1).